The following is an entry in ClinVar:

ClinVar aggregate classification (germline): Uncertain significance (1 of 4 stars; one submission).

Conditions:
Cardiovascular phenotype. Identifiers: MedGen CN230736.
Hereditary cancer-predisposing syndrome. Also called: Hereditary Cancer Syndrome; Hereditary neoplastic syndrome; Neoplastic Syndromes, Hereditary; Tumor predisposition. Identifiers: Orphanet 140162, MedGen C0027672, MeSH D009386, MONDO:0015356.

Submission:

Ambry Genetics
Classification: Uncertain significance for Cardiovascular phenotype; Hereditary cancer-predisposing syndrome. Last evaluated: 2020-03-16. Review status: criteria provided, single submitter. Criteria: Ambry Variant Classification Scheme 2023. Collection method: clinical testing. Allele origin: germline.
Comment: The p.M1440L variant (also known as c.4318A>C), located in coding exon 32 of the NF1 gene, results from an A to C substitution at nucleotide position 4318. The methionine at codon 1440 is replaced by leucine, an amino acid with highly similar properties. This amino acid position is highly conserved in available vertebrate species. In addition, the in silico prediction for this alteration is inconclusive. Since supporting evidence is limited at this time, the clinical significance of this alteration remains unclear.

NM_001042492.3(NF1):c.4381A>C (p.Met1461Leu)

Gene: NF1 (neurofibromin 1; plus strand). Cytogenetic location: 17q11.2.
Variant type: single nucleotide variant.
Coding change: c.4381A>C on transcript NM_001042492.3 (MANE Select); coding-DNA position 4381, A replaced by C.
Protein change: p.Met1461Leu; replaces methionine 1461 with leucine.
Molecular consequence: missense variant.
Genome position (GRCh38, 1-based): chr17:31,259,080, A>C. VCF-style: chr17-31259080-A-C. GRCh37 (hg19) VCF-style: chr17-29586098-A-C.
Other names: c.4318A>C, p.Met1440Leu (NM_000267.4); short protein forms M1461L, M1440L.
Identifiers: ClinVar variation 1739668 (VCV001739668.2), dbSNP rs1555618675, ClinGen allele CA398998844.
Genomic context (GRCh38, chr17:31,259,080, plus strand): 5'-TTTATTGTGTAGATACTTCAGAGTATTGCCAATCATGTTCTCTTCACAAAAGAAGAACAT[A>C]TGCGGCCTTTCAATGATTTTGTGAAAAGCAACTTTGATGCAGCACGCAGGTAATTTTCTT-3'
Protein context (NP_001035957.1, residues 1451-1471): NHVLFTKEEH[Met1461Leu]RPFNDFVKSN